The following is an entry in ClinVar:

NM_001009944.3(PKD1):c.1699_1700del (p.Ala568fs)

Gene: PKD1 (polycystin 1, transient receptor potential channel interacting; minus strand). Cytogenetic location: 16p13.3.
Variant type: Microsatellite.
Coding change: c.1699_1700del on transcript NM_001009944.3 (MANE Select); coding-DNA positions 1699 to 1700, 2 bases deleted (TC; older notation c.1699_1700delTC).
Protein change: p.Ala568fs; shifts the reading frame from alanine 568.
Molecular consequence: frameshift variant.
Genome position (GRCh38, 1-based): chr16:2,116,551-2,116,552, GA deleted on the plus strand (TC on the coding strand, the reverse complement: PKD1 is on the minus strand); deleting any 2 consecutive bases within chr16:2,116,551-2,116,555 gives the same sequence; the c. name uses the placement nearest the transcript's 3' end. VCF-style (leftmost placement, unchanged base first): chr16-2116550-TGA-T. GRCh37 (hg19) VCF-style: chr16-2166551-TGA-T.
Other names: c.1699_1700del (NM_001009944.2); c.1699_1700del, p.Ala568fs (NM_000296.4); c.1696_1697CT[1], p.Ala568Profs (NM_001009944.2); c.1699_1700delTC (NM_001009944.2); short protein forms A568fs.
Identifiers: ClinVar variation 3254849 (VCV003254849.6), dbSNP rs2544869651.
Genomic context (GRCh38, chr16:2,116,550, plus strand): 5'-GGCAGGAGGGCAGGTTGTAGAACGTGGGGGGCCGACTACCTCCACGGGCTCGTGCGGGGC[TGA>T]GAGGCCGTCCTGCTGTGCCAGAGGCGTCAGGGGTCCCTGCAGGTCCCCACTGGGCGCTCC-3'

ClinVar aggregate classification (germline): Pathogenic/Likely pathogenic. Review status: criteria provided, multiple submitters, no conflicts (2 of 4 stars). 6 submissions from 6 submitters: Pathogenic (5); Likely pathogenic (1). Last evaluated 2024-10-23.

Conditions:
Polycystic kidney disease, adult type (PKD1). Also called: Polycystic Kidney Disease 1, Autosomal Dominant; Polycystic kidney disease 1; Polycystic kidney disease 1, severe; POLYCYSTIC KIDNEY DISEASE 1 WITH OR WITHOUT POLYCYSTIC LIVER DISEASE; POLYCYSTIC KIDNEY DISEASE, ADULT, TYPE I; Polycystic Kidney, Autosomal Dominant. Identifiers: MedGen C3149841, MONDO:0008263, OMIM 173900.
PKD1-related disorder. Also called: PKD1-related condition.

Submissions (6):

PreventionGenetics, part of Exact Sciences
Classification: Pathogenic for PKD1-related condition. Last evaluated: 2024-10-23. Review status: criteria provided, single submitter. Criteria: ACMG Guidelines, 2015. Collection method: clinical testing. Allele origin: germline.
Comment: The PKD1 c.1699_1700delTC variant is predicted to result in a frameshift and premature protein termination (p.Ala568Profs*18). This variant has been reported in an individual with polycystic kidney disease (Li et al. 2022. PubMed ID: 34739738). This variant has not been reported in a large population database (gnomAD), indicating this variant is rare. Frameshift variants in PKD1 are expected to be pathogenic. This variant is interpreted as pathogenic.

Fulgent Genetics
Classification: Pathogenic for Polycystic kidney disease, adult type. Last evaluated: 2024-06-19. Review status: criteria provided, single submitter. Criteria: ACMG Guidelines, 2015. Collection method: clinical testing. Allele origin: germline.

GeneDx
Classification: Pathogenic. Last evaluated: 2024-05-22. Review status: criteria provided, single submitter. Criteria: GeneDx Variant Classification Process June 2021. Collection method: clinical testing. Allele origin: germline. Affected: yes.
Comment: Frameshift variant predicted to result in protein truncation or nonsense mediated decay in a gene for which loss of function is a known mechanism of disease; Not observed at significant frequency in large population cohorts (gnomAD); This variant is associated with the following publications: (PMID: 33532864, 34739738)

Victorian Clinical Genetics Services, Murdoch Childrens Research Institute
Classification: Pathogenic for Polycystic kidney disease, adult type. Last evaluated: 2023-12-21. Review status: criteria provided, single submitter. Criteria: ACMG Guidelines, 2015. Collection method: clinical testing. Allele origin: germline. Inheritance: Autosomal dominant inheritance. Affected: no.
Comment: Based on the classification scheme VCGS_Germline_v1.3.4, this variant is classified as Pathogenic. Following criteria are met: 0102 - Loss of function is a known mechanism of disease in this gene and is associated with polycystic kidney disease 1 (MIM#173900). (I) 0107 - This gene is associated with autosomal dominant disease. Polycystic kidney disease 1 (MIM#173900) is predominantly caused by monoallelic variants, with rare reports of biallelic variants causing disease (OMIM). (I) 0201 - Variant is predicted to cause nonsense-mediated decay (NMD) and loss of protein (premature termination codon is located at least 54 nucleotides upstream of the final exon-exon junction). (SP) 0251 - This variant is heterozygous. (I) 0301 - Variant is absent from gnomAD (both v2 and v3). (SP) 0701 - Other premature termination variants comparable to the one identified in this case have very strong previous evidence for pathogenicity. Many NMD-predicted variants in this gene have been reported as likely pathogenic/pathogenic (ClinVar). (SP) 0803 - This variant has limited previous evidence of pathogenicity in an unrelated individual. It has been reported in an individual with autosomal dominant polycystic kidney disease (PMID: 34739738). (I) Legend: (SP) - Supporting pathogenic, (I) - Information, (SB) - Supporting benign

Department of Pathology and Laboratory Medicine, Sinai Health System
Classification: Pathogenic for Polycystic kidney disease, adult type. Last evaluated: 2023-05-25. Review status: criteria provided, single submitter. Criteria: ACMG Guidelines, 2015. Collection method: clinical testing. Allele origin: germline. Affected: no.

Blueprint Genetics
Classification: Likely pathogenic for PKD1-related disorders. Last evaluated: 2023-01-09. Review status: criteria provided, single submitter. Criteria: ACMG Guidelines, 2015. Collection method: clinical testing. Allele origin: germline. Affected: yes. Observed: 1 variant allele.

Literature cited by the submitters: PubMed 34739738 (cited by Victorian Clinical Genetics Services, Murdoch Childrens Research Institute and Department of Pathology and Laboratory Medicine, Sinai Health System).